The following is an entry in ClinVar:

NM_001376.5(DYNC1H1):c.738A>G (p.Gln246=)

Gene: DYNC1H1 (dynein cytoplasmic 1 heavy chain 1; plus strand). Cytogenetic location: 14q32.31.
Variant type: single nucleotide variant.
Coding change: c.738A>G on transcript NM_001376.5 (MANE Select); coding-DNA position 738, A replaced by G.
Protein change: p.Gln246=; no amino-acid change (glutamine 246 retained).
Molecular consequence: synonymous variant.
Genome position (GRCh38, 1-based): chr14:101,979,938, A>G. VCF-style: chr14-101979938-A-G. GRCh37 (hg19) VCF-style: chr14-102446275-A-G.
Identifiers: ClinVar variation 239002 (VCV000239002.27), dbSNP rs117189734, ClinGen allele CA7351569.
Genomic context (GRCh38, chr14:101,979,938, plus strand): 5'-GCCAAAAGTTACAGACTTTGGTGATAAGGTTGAAGACCCAACATTTCTTAATCAGTTACA[A>G]TCTGGAGTTAACCGCTGGATCCGAGAAATTCAAAAAGTAAGAGCACAGGATTGAAAGTTA-3'
Protein context (NP_001367.2, residues 236-256): VEDPTFLNQL[Gln246=]SGVNRWIREI

ClinVar aggregate classification (germline): Benign/Likely benign. Review status: criteria provided, multiple submitters, no conflicts (2 of 4 stars). 10 submissions from 9 submitters: Benign (7); Likely benign (3). Last evaluated 2026-01-19.

Conditions:
Inborn genetic diseases. Identifiers: MedGen C0950123, MeSH D030342.
Charcot-Marie-Tooth disease. Also called: Charcot-Marie-Tooth Neuropathy; Charcot-Marie-Tooth Hereditary Neuropathy. Identifiers: Orphanet 166, MedGen C0007959, MONDO:0015626.
Charcot-Marie-Tooth disease axonal type 2O. Also called: CHARCOT-MARIE-TOOTH NEUROPATHY, AXONAL, TYPE 2O; CHARCOT-MARIE-TOOTH DISEASE, AXONAL, AUTOSOMAL DOMINANT, TYPE 2O; Charcot-Marie-Tooth Neuropathy Type 2O; Charcot-Marie-Tooth disease, axonal, type 20. Identifiers: Orphanet 284232, MedGen C3280220, MONDO:0013644, OMIM 614228.
Autosomal dominant cerebellar ataxia. Also called: Spinocerebellar Ataxia, Dominant. Identifiers: Orphanet 99, MedGen C4087347, MONDO:0020380.

Allele frequency attached by ClinVar (database versions not stated): gnomAD 0.00037 and 0.00067; gnomAD exomes 0.00048 and 0.00159; TOPMed 0.00098; ExAC 0.00171; 1000 Genomes Project 30x 0.00328; 1000 Genomes Project 0.00359.
gnomAD v4.1: 840 of 1,614,230 alleles (0.052%); highest among the groups gnomAD compares: East Asian, 1.4%; 8 homozygotes.

Submissions (10):

Labcorp Genetics (formerly Invitae), Labcorp
Classification: Benign for Charcot-Marie-Tooth disease axonal type 2O. Last evaluated: 2026-01-19. Review status: criteria provided, single submitter. Criteria: Invitae Variant Classification Sherloc (09022015). Collection method: clinical testing. Allele origin: germline.

Blueprint Genetics
Classification: Likely benign. Last evaluated: 2024-11-07. Review status: criteria provided, single submitter. Criteria: ACMG Guidelines, 2015. Collection method: clinical testing. Allele origin: germline.

ARUP Laboratories, Molecular Genetics and Genomics, ARUP Laboratories
Classification: Benign. Last evaluated: 2024-10-25. Review status: criteria provided, single submitter. Criteria: ARUP Molecular Germline Variant Investigation Process 2024. Collection method: clinical testing. Allele origin: germline.

Genetic Services Laboratory, University of Chicago
Classification: Likely benign. Last evaluated: 2019-01-17. Review status: criteria provided, single submitter. Criteria: ACMG Guidelines, 2015. Collection method: clinical testing. Allele origin: germline. Affected: no.

Illumina Laboratory Services, Illumina
Classification: Benign for Spinocerebellar Ataxia, Dominant. Last evaluated: 2018-01-13. Review status: criteria provided, single submitter. Criteria: ICSL Variant Classification Criteria 13 December 2019. Collection method: clinical testing. Allele origin: germline.
Comment: This variant was observed in the ICSL laboratory as part of a predisposition screen in an ostensibly healthy population. It had not been previously curated by ICSL or reported in the Human Gene Mutation Database (HGMD: prior to June 1st, 2018), and was therefore a candidate for classification through an automated scoring system. Utilizing variant allele frequency, disease prevalence and penetrance estimates, and inheritance mode, an automated score was calculated to assess if this variant is too frequent to cause the disease. Based on the score and internal cut-off values, a variant classified as benign is not then subjected to further curation. The score for this variant resulted in a classification of benign for this disease.

Illumina Laboratory Services, Illumina
Classification: Benign for Charcot-Marie-Tooth disease axonal type 2O. Last evaluated: 2018-01-13. Review status: criteria provided, single submitter. Criteria: ICSL Variant Classification Criteria 13 December 2019. Collection method: clinical testing. Allele origin: germline.
Comment: the same text as in the submission from Illumina Laboratory Services, Illumina above.

GeneDx
Classification: Benign. Last evaluated: 2016-09-27. Review status: criteria provided, single submitter. Criteria: GeneDx Variant Classification (06012015). Collection method: clinical testing. Allele origin: germline. Affected: yes.
Comment: This variant is considered likely benign or benign based on one or more of the following criteria: it is a conservative change, it occurs at a poorly conserved position in the protein, it is predicted to be benign by multiple in silico algorithms, and/or has population frequency not consistent with disease.

Ambry Genetics
Classification: Benign for Inborn genetic diseases. Last evaluated: 2016-06-14. Review status: criteria provided, single submitter. Criteria: Ambry Variant Classification Scheme 2023. Collection method: clinical testing. Allele origin: germline.

Breakthrough Genomics
Classification: Likely benign. Review status: criteria provided, single submitter. Criteria: ACMG Guidelines, 2015. Collection method: not provided. Allele origin: germline. Inheritance: Autosomal dominant inheritance. Affected: yes.

Molecular Genetics Laboratory, London Health Sciences Centre
Classification: Benign for Charcot-Marie-Tooth disease. Review status: criteria provided, single submitter. Criteria: ACMG Guidelines, 2015. Collection method: clinical testing. Allele origin: germline. Affected: yes.